The following is an entry in ClinVar:

ClinVar aggregate classification (germline): Uncertain significance (1 of 4 stars; one submission).

Conditions:
MKS1-related disorder. Also called: MKS1-related disorders; MKS1-related condition. Identifiers: MedGen CN239382.

gnomAD v4.1: 3 of 1,612,938 alleles (0.00019%); highest among the groups gnomAD compares: Non-Finnish European, 0.00025%; no homozygotes.

Submission:

PreventionGenetics, part of Exact Sciences
Classification: Uncertain significance for MKS1-related condition. Last evaluated: 2026-04-14. Review status: criteria provided, single submitter. Criteria: ACMG Guidelines, 2015. Collection method: clinical testing. Allele origin: germline.
Comment: The MKS1 c.1165+4A>C variant is predicted to interfere with splicing. This variant is predicted to alter splicing based on available splicing prediction software (SpliceAI, Jaganathan et al. 2019. PubMed ID: 30661751). However, the use of computer prediction software is not equivalent to functional evidence. To our knowledge, this variant has not been reported in the literature or in a large population database (gnomAD), indicating this variant is rare. At this time, the clinical significance of this variant is uncertain due to the absence of conclusive functional and genetic evidence.

NM_017777.4(MKS1):c.1165+4A>C

Gene: MKS1 (MKS transition zone complex subunit 1; minus strand). Cytogenetic location: 17q22.
Variant type: single nucleotide variant.
Coding change: c.1165+4A>C on transcript NM_017777.4 (MANE Select); 4 bases into the intron after coding-DNA position 1165, A replaced by C.
Molecular consequence: intron variant.
Genome position (GRCh38, 1-based): chr17:58,208,101, T>G on the plus strand (A>C on the coding strand, the complement: MKS1 is on the minus strand). VCF-style: chr17-58208101-T-G. GRCh37 (hg19) VCF-style: chr17-56285462-T-G.
Other names: c.556+4A>C (NM_001321268.2); c.1165+4A>C (NM_001330397.2, NM_001321269.2, NM_001411113.1).
Identifiers: ClinVar variation 4997164 (VCV004997164.1).